The following is an entry in ClinVar:

ClinVar aggregate classification (germline): Likely pathogenic. Review status: reviewed by expert panel (3 of 4 stars). 5 submissions from 5 submitters: Likely pathogenic (1). 4 of the submissions do not count toward it. Last evaluated 2026-09-26.

Conditions:
RS1-related disorder. Also called: RS1-related condition.
Juvenile retinoschisis (RS1). Also called: X-Linked Juvenile Retinoschisis; X-linked retinoschisis. Identifiers: Orphanet 792, MedGen C3714753, MONDO:0010725, OMIM 312700.

Submissions (5):

ClinGen X-linked Inherited Retinal Disease Variant Curation Expert Panel, ClinGen
Classification: Likely pathogenic for Juvenile retinoschisis. Last evaluated: 2026-09-26. Review status: reviewed by expert panel. Criteria: ClinGen X LinkedIRD ACMG Specifications RS1 V1.0.0. Collection method: curation. Allele origin: germline. Inheritance: X-linked inheritance.
Comment: The NM_000330.4(RS1):c.216G>C (p.Glu72Asp) variant is a missense variant encoding the substitution of Glutamic acid and Aspartic acid at amino acid 72. This variant is absent from hemizygous individuals in gnomAD v4.1.0 (PM2_Supporting). The computational predictor REVEL gives a score of 0.930, which is within the ClinGen X-linked IRD VCEP range between 0.931 and 0.773 and predicts a damaging effect on RS1 function (PP3_moderate). The computational splicing predictor SpliceAI gives a delta score of 0.03 for acceptor gain, which is below the ClinGen X-linked IRD VCEP threshold of >0.2 and does not predict that the variant disrupts RS1 splicing. Another missense variant in the same codon, NM_000330.4(RS1):c.214G>C (p.Glu72Gln), (PMIDs: 19390641, 11295123, 28348004, 36460718, 39462066, 35456481) have been classified as pathogenic for X-linked retinoschisis by the ClinGen X-linked IRD VCEP, while no benign missense variants have been identified in this codon. The present variant has a higher Grantham’s distance (45) than the comparison variants (29), and SpliceAI has been used to confirm that neither variant has a predicted impact on RS1 splicing (PM5). This variant p.Glu72, of the RS1 gene, is a missense substitution affecting an established residue involved in cross-linking the adjacent RS1 subunit defined by the ClinGen X-linked IRD VCEP (PMID: 27114531, PM1). This variant has been reported in at least 3 apparently unrelated probands meeting one of the PS4 requirements of a male diagnosed with XLRS (PMIDs: 9618178, 34822951, 35456481, 38219857, PS4_Moderate). In summary, this variant is classified as likely pathogenic for X-linked retinoschisis based on the ClinGen X-linked Inherited Retinal Disease Expert Panel Specifications to the ACMG/AMP Variant Interpretation Guidelines for RS1 Version 1.0.0: PM2_Supporting, PP3_Moderate, PM5, PM1, and PS4_Moderate.

Labcorp Genetics (formerly Invitae), Labcorp
Classification: Pathogenic. Last evaluated: 2025-07-06. Review status: criteria provided, single submitter. Criteria: Invitae Variant Classification Sherloc (09022015). Collection method: clinical testing. Allele origin: germline. Not counted in ClinVar's aggregate classification.
Comment: This sequence change replaces glutamic acid, which is acidic and polar, with aspartic acid, which is acidic and polar, at codon 72 of the RS1 protein (p.Glu72Asp). This variant is not present in population databases (gnomAD no frequency). This missense change has been observed in individual(s) with retinoschisis (PMID: 9618178, 28272453, 34822951, 35456481). ClinVar contains an entry for this variant (Variation ID: 9889). Invitae Evidence Modeling of protein sequence and biophysical properties (such as structural, functional, and spatial information, amino acid conservation, physicochemical variation, residue mobility, and thermodynamic stability) has been performed for this missense variant. However, the output from this modeling did not meet the statistical confidence thresholds required to predict the impact of this variant on RS1 protein function. This variant disrupts the p.Glu72 amino acid residue in RS1. Other variant(s) that disrupt this residue have been determined to be pathogenic (PMID: 11295123, 19390641, 28348004). This suggests that this residue is clinically significant, and that variants that disrupt this residue are likely to be disease-causing. For these reasons, this variant has been classified as Pathogenic.

Blueprint Genetics
Classification: Pathogenic for RS1-related disorders. Last evaluated: 2020-11-17. Review status: criteria provided, single submitter. Criteria: ACMG Guidelines, 2015. Collection method: clinical testing. Allele origin: germline. Affected: yes. Observed: 1 variant allele. Not counted in ClinVar's aggregate classification.

OMIM
Classification: Pathogenic for RETINOSCHISIS 1, X-LINKED, JUVENILE. Last evaluated: 1998-07-01. Review status: no assertion criteria provided. Collection method: literature only. Allele origin: germline. Not counted in ClinVar's aggregate classification.

Retina International
No classification provided. Review status: no classification provided. Collection method: not provided. Allele origin: unknown. Not counted in ClinVar's aggregate classification.

Literature cited by the submitters: PubMed 9618178 (cited by Labcorp Genetics (formerly Invitae), Labcorp and OMIM); PubMed 28272453 (cited by Labcorp Genetics (formerly Invitae), Labcorp); PubMed 34822951 (cited by Labcorp Genetics (formerly Invitae), Labcorp); PubMed 35456481 (cited by Labcorp Genetics (formerly Invitae), Labcorp); PubMed 11295123 (cited by Labcorp Genetics (formerly Invitae), Labcorp); PubMed 19390641 (cited by Labcorp Genetics (formerly Invitae), Labcorp); PubMed 28348004 (cited by Labcorp Genetics (formerly Invitae), Labcorp).

NM_000330.4(RS1):c.216G>C (p.Glu72Asp)

Genes: CDKL5 (cyclin dependent kinase like 5; plus strand), RS1 (retinoschisin 1; minus strand). Cytogenetic location: Xp22.13.
Variant type: single nucleotide variant.
Coding change: c.216G>C on transcript NM_000330.4 (MANE Select); coding-DNA position 216, G replaced by C.
Protein change: p.Glu72Asp; replaces glutamic acid 72 with aspartic acid.
Molecular consequence: missense variant. On other transcripts: intron variant (2).
Genome position (GRCh38, 1-based): chrX:18,647,301, C>G on the plus strand (G>C on the coding strand, the complement: RS1 is on the minus strand). VCF-style: chrX-18647301-C-G. GRCh37 (hg19) VCF-style: chrX-18665421-C-G.
Other names: NM_000330.4(RS1):c.216G>C; c.2797+1211C>G (NM_003159.3, NM_001037343.2); short protein forms E72D.
Identifiers: ClinVar variation 9889 (VCV000009889.7), dbSNP rs104894932, ClinGen allele CA226626.